The following is an entry in ClinVar:

NC_000004.11:g.(?_128804417)_(129131208_?)dup

Genes: LARP1B (La ribonucleoprotein 1B; plus strand), ABHD18 (abhydrolase domain containing 18; plus strand), MFSD8 (major facilitator superfamily domain containing 8; minus strand), PLK4 (polo like kinase 4; plus strand). Cytogenetic location: 4q28.2.
Variant type: Duplication.
Identifiers: ClinVar variation 1007966 (VCV001007966.1).

ClinVar aggregate classification (germline): Uncertain significance. Review status: criteria provided, single submitter (1 of 4 stars). 2 submissions from 1 submitter: Uncertain significance (1). 1 of the submissions does not count toward it. Last evaluated 2017-09-16.

Conditions:
Neuronal ceroid lipofuscinosis 7 (CLN7). Also called: MFSD8-Related Neuronal Ceroid-Lipofuscinosis. Identifiers: Orphanet 168491, Orphanet 228366, MedGen C1838571, MONDO:0012588, OMIM 610951.

Submissions (2):

Labcorp Genetics (formerly Invitae), Labcorp
Classification: Uncertain significance. Last evaluated: 2017-09-16. Review status: criteria provided, single submitter. Criteria: Invitae Variant Classification Sherloc (09022015). Collection method: clinical testing. Allele origin: germline.
Comment: A gross duplication of the genomic region encompassing the full coding sequence of the PLK4 gene has been identified. The boundaries of this event are unknown as the duplication extends beyond the assayed region for this gene and therefore may encompass additional genes. As the precise location of this duplication is unknown, it may be in tandem or it may be located elsewhere in the genome. This variant has not been reported in the literature in individuals with PLK4-related disease. In summary, the available evidence is currently insufficient to determine the role of this variant in disease. Therefore, it has been classified as a Variant of Uncertain Significance.

Labcorp Genetics (formerly Invitae), Labcorp
Classification: Uncertain significance for Ceroid lipofuscinosis neuronal 7. Last evaluated: 2017-11-29. Review status: flagged submission. Criteria: Invitae Variant Classification Sherloc (09022015). Collection method: clinical testing. Allele origin: germline. Not counted in ClinVar's aggregate classification.
Comment: A gross duplication of the genomic region encompassing the full coding sequence of the MFSD8 gene has been identified. The boundaries of this event are unknown as the duplication extends beyond the assayed region for this gene and therefore may encompass additional genes. As the precise location of this duplication is unknown, it may be in tandem or it may be located elsewhere in the genome. This variant has not been reported in the literature in individuals with MFSD8-related disease. In summary, the available evidence is currently insufficient to determine the role of this variant in disease. Therefore, it has been classified as a Variant of Uncertain Significance.
ClinVar note: Reason: This record appears to be redundant with a more recent record from the same submitter.
ClinVar note: Notes: SCV000837492 appears to be redundant with SCV001494549.